The following is an entry in ClinVar:

GRCh38/hg38 16p11.2(chr16:29662635-30108438)x1

Genes: MAZ (MYC associated zinc finger protein; plus strand), MVP (major vault protein; plus strand), MVP-DT (MVP divergent transcript; minus strand), PAGR1 (PAXIP1 associated glutamate rich protein 1; plus strand), PPP4C (protein phosphatase 4 catalytic subunit; plus strand) and 80 more. Cytogenetic location: 16p11.2.
Variant type: copy number loss.
Change: copy number 1 (one copy instead of two) of chr16:29,662,635-30,108,438 (445.8 kb, GRCh38 coordinates, 1-based), cytogenetic band 16p11.2.
Identifiers: ClinVar variation 60407 (VCV000060407.1).

ClinVar aggregate classification (germline): Pathogenic (1 of 4 stars; one submission).

Submission:

ISCA site 15
Classification: Pathogenic. Last evaluated: 2011-08-12. Review status: criteria provided, single submitter. Criteria: Kaminsky et al. (Genet Med. 2011). Collection method: clinical testing. Allele origin: unknown, de novo. Affected: yes. Observed: 2 variant alleles.
Comment: Copy number variation identified through the course of routine clinical cytogenomic testing in postnatal populations. Clinical assertions have been curated as described in Kaminsky et al. 2011.